The following is an entry in ClinVar:

NM_053025.4(MYLK):c.2927C>G (p.Pro976Arg)

Gene: MYLK (myosin light chain kinase; minus strand). Cytogenetic location: 3q21.1.
Variant type: single nucleotide variant.
Coding change: c.2927C>G on transcript NM_053025.4 (MANE Select); coding-DNA position 2927, C replaced by G.
Protein change: p.Pro976Arg; replaces proline 976 with arginine.
Molecular consequence: missense variant.
Genome position (GRCh38, 1-based): chr3:123,700,541, G>C on the plus strand (C>G on the coding strand, the complement: MYLK is on the minus strand). VCF-style: chr3-123700541-G-C. GRCh37 (hg19) VCF-style: chr3-123419388-G-C.
Other names: c.2399C>G, p.Pro800Arg (NM_001321309.2); c.2720C>G, p.Pro907Arg (NM_053026.4, NM_053028.4); c.2927C>G, p.Pro976Arg (NM_053027.4); short protein forms P976R, P800R, P907R.
Identifiers: ClinVar variation 1422533 (VCV001422533.6), dbSNP rs2061152157, ClinGen allele CA354230690.

ClinVar aggregate classification (germline): Uncertain significance (1 of 4 stars; one submission).

Conditions:
Aortic aneurysm, familial thoracic 7 (AAT7). Also called: AORTIC DISSECTION, FAMILIAL, WITH OR WITHOUT AORTIC ANEURYSM. Identifiers: MedGen C3151077, MONDO:0013418, OMIM 613780.

Allele frequency attached by ClinVar (database versions not stated): TOPMed below 0.00001.

Submission:

Labcorp Genetics (formerly Invitae), Labcorp
Classification: Uncertain significance for Aortic aneurysm, familial thoracic 7. Last evaluated: 2025-08-11. Review status: criteria provided, single submitter. Criteria: Invitae Variant Classification Sherloc (09022015). Collection method: clinical testing. Allele origin: germline.
Comment: This sequence change replaces proline, which is neutral and non-polar, with arginine, which is basic and polar, at codon 976 of the MYLK protein (p.Pro976Arg). This variant is not present in population databases (gnomAD no frequency). This variant has not been reported in the literature in individuals affected with MYLK-related conditions. ClinVar contains an entry for this variant (Variation ID: 1422533). Invitae Evidence Modeling of protein sequence and biophysical properties (such as structural, functional, and spatial information, amino acid conservation, physicochemical variation, residue mobility, and thermodynamic stability) indicates that this missense variant is not expected to disrupt MYLK protein function with a negative predictive value of 80%. In summary, the available evidence is currently insufficient to determine the role of this variant in disease. Therefore, it has been classified as a Variant of Uncertain Significance.